The following is an entry in ClinVar:

NM_003611.3(OFD1):c.136C>T (p.His46Tyr)

Gene: OFD1 (OFD1 centriole and centriolar satellite protein; plus strand). Cytogenetic location: Xp22.2.
Variant type: single nucleotide variant.
Coding change: c.136C>T on transcript NM_003611.3 (MANE Select); coding-DNA position 136, C replaced by T.
Protein change: p.His46Tyr; replaces histidine 46 with tyrosine.
Molecular consequence: missense variant. On other transcripts: 5 prime UTR variant (1).
Genome position (GRCh38, 1-based): chrX:13,736,502, C>T. VCF-style: chrX-13736502-C-T. GRCh37 (hg19) VCF-style: chrX-13754621-C-T.
Other names: c.136C>T, p.His46Tyr (NM_001330209.2); c.-410C>T (NM_001330210.2); short protein forms H46Y.
Identifiers: ClinVar variation 3346078 (VCV003346078.1).

ClinVar aggregate classification (germline): Uncertain significance (0 of 4 stars; one submission).

Conditions:
OFD1-related disorder. Also called: OFD1-related condition.

Submission:

PreventionGenetics, part of Exact Sciences
Classification: Uncertain significance for OFD1-related condition. Last evaluated: 2024-05-31. Review status: no assertion criteria provided. Collection method: clinical testing. Allele origin: germline.
Comment: The OFD1 c.136C>T variant is predicted to result in the amino acid substitution p.His46Tyr. To our knowledge, this variant has not been reported in the literature or in a large population database, indicating this variant is rare. At this time, the clinical significance of this variant is uncertain due to the absence of conclusive functional and genetic evidence.